The following is an entry in ClinVar:

NM_000020.3(ACVRL1):c.1046T>C (p.Leu349Pro)

Gene: ACVRL1 (activin A receptor like type 1; plus strand). Cytogenetic location: 12q13.13.
Variant type: single nucleotide variant.
Coding change: c.1046T>C on transcript NM_000020.3 (MANE Select); coding-DNA position 1046, T replaced by C.
Protein change: p.Leu349Pro; replaces leucine 349 with proline.
Molecular consequence: missense variant.
Genome position (GRCh38, 1-based): chr12:51,915,498, T>C. VCF-style: chr12-51915498-T-C. GRCh37 (hg19) VCF-style: chr12-52309282-T-C.
Other names: c.1046T>C, p.Leu349Pro (NM_001077401.2); short protein forms L349P.
Identifiers: ClinVar variation 662026 (VCV000662026.16), dbSNP rs765895870, ClinGen allele CA6573039.

ClinVar aggregate classification (germline): Pathogenic/Likely pathogenic. Review status: criteria provided, multiple submitters, no conflicts (2 of 4 stars). 3 submissions from 3 submitters: Pathogenic (1); Likely pathogenic (2). Last evaluated 2026-10-06.

Conditions:
Telangiectasia, hereditary hemorrhagic, type 2 (HHT2). Also called: ACVRL1-Related Hereditary Hemorrhagic Telangiectasia; Telangiectasia, hereditary hemorrhagic, type II. Identifiers: Orphanet 774, MedGen C1838163, MONDO:0010880, OMIM 600376. Disease mechanism: loss of function.

Allele frequency attached by ClinVar (database versions not stated): ExAC 0.00001.

Submissions (3):

GeneDx
Classification: Likely pathogenic. Last evaluated: 2026-10-06. Review status: criteria provided, single submitter. Criteria: GeneDx Variant Classification Process June 2021. Collection method: clinical testing. Allele origin: germline.
Comment: Not observed at significant frequency in large population cohorts (gnomAD); In silico analysis supports that this missense variant has a deleterious effect on protein structure/function; This variant is associated with the following publications: (PMID: 24001356, 20414677)

Labcorp Genetics (formerly Invitae), Labcorp
Classification: Pathogenic for Telangiectasia, hereditary hemorrhagic, type 2. Last evaluated: 2022-03-14. Review status: criteria provided, single submitter. Criteria: Invitae Variant Classification Sherloc (09022015). Collection method: clinical testing. Allele origin: germline.
Comment: This variant is present in population databases (rs765895870, gnomAD 0.0009%). This sequence change replaces leucine, which is neutral and non-polar, with proline, which is neutral and non-polar, at codon 349 of the ACVRL1 protein (p.Leu349Pro). This missense change has been observed in individual(s) with hereditary hemorrhagic telangiectasia (HHT) (PMID: 20414677, 24001356; Invitae). It has also been observed to segregate with disease in related individuals. For these reasons, this variant has been classified as Pathogenic. Algorithms developed to predict the effect of missense changes on protein structure and function (SIFT, PolyPhen-2, Align-GVGD) all suggest that this variant is likely to be disruptive. ClinVar contains an entry for this variant (Variation ID: 662026).

Mayo Clinic Laboratories, Mayo Clinic
Classification: Likely pathogenic. Last evaluated: 2020-07-29. Review status: criteria provided, single submitter. Criteria: ACMG Guidelines, 2015. Collection method: clinical testing. Allele origin: germline. Observed: 1 variant allele.
Comment: PP1_Strong, PM1, PM2, PP3

Literature cited by the submitters: PubMed 20414677 (cited by Labcorp Genetics (formerly Invitae), Labcorp and Mayo Clinic Laboratories, Mayo Clinic); PubMed 24001356 (cited by Labcorp Genetics (formerly Invitae), Labcorp and Mayo Clinic Laboratories, Mayo Clinic).